The following is an entry in ClinVar:

NM_001111125.3(IQSEC2):c.1102G>C (p.Glu368Gln)

Gene: IQSEC2 (IQ motif and Sec7 domain ArfGEF 2; minus strand). Cytogenetic location: Xp11.22.
Variant type: single nucleotide variant.
Coding change: c.1102G>C on transcript NM_001111125.3 (MANE Select); coding-DNA position 1102, G replaced by C.
Protein change: p.Glu368Gln; replaces glutamic acid 368 with glutamine.
Molecular consequence: missense variant.
Genome position (GRCh38, 1-based): chrX:53,254,829, C>G on the plus strand (G>C on the coding strand, the complement: IQSEC2 is on the minus strand). VCF-style: chrX-53254829-C-G. GRCh37 (hg19) VCF-style: chrX-53284011-C-G.
Other names: c.1102G>C, p.Glu368Gln (NM_001410736.1); c.487G>C, p.Glu163Gln (NM_015075.2); c.1102G>C (NM_001111125.2); short protein forms E163Q, E368Q.
Identifiers: ClinVar variation 3373321 (VCV003373321.3).

ClinVar aggregate classification (germline): Uncertain significance. Review status: criteria provided, multiple submitters, no conflicts (2 of 4 stars). 2 submissions from 2 submitters: Uncertain significance (2). Last evaluated 2025-08-27.

Conditions:
Inborn genetic diseases. Identifiers: MedGen C0950123, MeSH D030342.

gnomAD v4.1: 2 of 1,206,485 alleles (0.00017%); highest among the groups gnomAD compares: African/African-American, 0.0017%; no homozygotes.

Submissions (2):

Ambry Genetics
Classification: Uncertain significance for Inborn genetic diseases. Last evaluated: 2025-08-27. Review status: criteria provided, single submitter. Criteria: Ambry Variant Classification Scheme 2023. Collection method: clinical testing. Allele origin: germline.

GeneDx
Classification: Uncertain significance. Last evaluated: 2025-04-17. Review status: criteria provided, single submitter. Criteria: GeneDx Variant Classification Process June 2021. Collection method: clinical testing. Allele origin: germline. Affected: yes.
Comment: In silico analysis supports that this missense variant has a deleterious effect on protein structure/function; Has not been previously published as pathogenic or benign to our knowledge; This variant is associated with the following publications: (PMID: 20473311)